The following is an entry in ClinVar:

ClinVar aggregate classification (germline): Uncertain significance (1 of 4 stars; one submission).

Conditions:
Inborn genetic diseases. Identifiers: MedGen C0950123, MeSH D030342.

Submission:

Ambry Genetics
Classification: Uncertain significance for Inborn genetic diseases. Last evaluated: 2025-08-31. Review status: criteria provided, single submitter. Criteria: Ambry Variant Classification Scheme 2023. Collection method: clinical testing. Allele origin: germline.
Comment: The p.F539V variant (also known as c.1615T>G), located in coding exon 1 of the SAMD9 gene, results from a T to G substitution at nucleotide position 1615. The phenylalanine at codon 539 is replaced by valine, an amino acid with highly similar properties. This amino acid position is conserved. In addition, this alteration is predicted to be tolerated by in silico analysis. Based on the available evidence, the clinical significance of this variant remains unclear.

NM_017654.4(SAMD9):c.1615T>G (p.Phe539Val)

Gene: SAMD9 (sterile alpha motif domain containing 9; minus strand). Cytogenetic location: 7q21.2.
Variant type: single nucleotide variant.
Coding change: c.1615T>G on transcript NM_017654.4 (MANE Select); coding-DNA position 1615, T replaced by G.
Protein change: p.Phe539Val; replaces phenylalanine 539 with valine.
Molecular consequence: missense variant.
Genome position (GRCh38, 1-based): chr7:93,104,483, A>C on the plus strand (T>G on the coding strand, the complement: SAMD9 is on the minus strand). VCF-style: chr7-93104483-A-C. GRCh37 (hg19) VCF-style: chr7-92733796-A-C.
Other names: c.1615T>G, p.Phe539Val (NM_001193307.2); short protein forms F539V.
Identifiers: ClinVar variation 4159197 (VCV004159197.1).
Genomic context (GRCh38, chr7:93,104,483, plus strand): 5'-TCTCAATGAGGGGATCTCTTGGGTCATCCACAGAGGACAGTAATAGAAATACCACCAAAA[A>C]CTTCCCTCTTGGCATTATGTCTTCATGTGTAAGAAATGAAATCAGTTTCCTGACATCAGA-3'
Protein context (NP_060124.2, residues 529-549): THEDIMPRGK[Phe539Val]LVVFLLLSSV